The following is an entry in ClinVar:

ClinVar aggregate classification (germline): Uncertain significance. Review status: criteria provided, multiple submitters, no conflicts (2 of 4 stars). 2 submissions from 2 submitters: Uncertain significance (2). Last evaluated 2025-12-16.

Conditions:
Hereditary cancer-predisposing syndrome. Also called: Neoplastic Syndromes, Hereditary; Tumor predisposition; Hereditary Cancer Syndrome; Hereditary neoplastic syndrome. Identifiers: Orphanet 140162, MedGen C0027672, MeSH D009386, MONDO:0015356.
Retinoblastoma (RB1). Also called: RETINOBLASTOMA, SOMATIC. Identifiers: Orphanet 790, MedGen C0035335, MeSH D012175, MONDO:0008380, OMIM 180200, HP:0009919. Disease mechanism: loss of function. Inheritance: Both sporadic and heritable forms are tested..

Allele frequency attached by ClinVar (database versions not stated): gnomAD exomes below 0.00001.

Submissions (2):

Labcorp Genetics (formerly Invitae), Labcorp
Classification: Uncertain significance for Retinoblastoma. Last evaluated: 2025-12-16. Review status: criteria provided, single submitter. Criteria: Invitae Variant Classification Sherloc (09022015). Collection method: clinical testing. Allele origin: germline.
Comment: This sequence change replaces proline, which is neutral and non-polar, with serine, which is neutral and polar, at codon 250 of the RB1 protein (p.Pro250Ser). This variant is not present in population databases (gnomAD no frequency). This variant has not been reported in the literature in individuals affected with RB1-related conditions. ClinVar contains an entry for this variant (Variation ID: 1002084). Invitae Evidence Modeling of protein sequence and biophysical properties (such as structural, functional, and spatial information, amino acid conservation, physicochemical variation, residue mobility, and thermodynamic stability) indicates that this missense variant is not expected to disrupt RB1 protein function with a negative predictive value of 80%. In summary, the available evidence is currently insufficient to determine the role of this variant in disease. Therefore, it has been classified as a Variant of Uncertain Significance.

Ambry Genetics
Classification: Uncertain significance for Hereditary cancer-predisposing syndrome. Last evaluated: 2025-03-05. Review status: criteria provided, single submitter. Criteria: Ambry Variant Classification Scheme 2023. Collection method: clinical testing. Allele origin: germline.
Comment: The p.P250S variant (also known as c.748C>T), located in coding exon 8 of the RB1 gene, results from a C to T substitution at nucleotide position 748. The proline at codon 250 is replaced by serine, an amino acid with similar properties. This amino acid position is well conserved in available vertebrate species. In addition, the in silico prediction for this alteration is inconclusive. Based on the available evidence, the clinical significance of this variant remains unclear.

NM_000321.3(RB1):c.748C>T (p.Pro250Ser)

Gene: RB1 (RB transcriptional corepressor 1; plus strand). Cytogenetic location: 13q14.2.
Variant type: single nucleotide variant.
Coding change: c.748C>T on transcript NM_000321.3 (MANE Select); coding-DNA position 748, C replaced by T.
Protein change: p.Pro250Ser; replaces proline 250 with serine.
Molecular consequence: missense variant.
Genome position (GRCh38, 1-based): chr13:48,362,844, C>T. VCF-style: chr13-48362844-C-T. GRCh37 (hg19) VCF-style: chr13-48936980-C-T.
Other names: short protein forms P250S.
Identifiers: ClinVar variation 1002084 (VCV001002084.12), dbSNP rs1566192505, ClinGen allele CA388159313.